The following is an entry in ClinVar:

NM_006567.5(FARS2):c.151G>C (p.Val51Leu)

Genes: FARS2 (phenylalanyl-tRNA synthetase 2, mitochondrial; plus strand), LOC126859565 (CDK7 strongly-dependent group 2 enhancer GRCh37_chr6:5368745-5369944; plus strand). Cytogenetic location: 6p25.1.
Variant type: single nucleotide variant.
Coding change: c.151G>C on transcript NM_006567.5 (MANE Select); coding-DNA position 151, G replaced by C.
Protein change: p.Val51Leu; replaces valine 51 with leucine.
Molecular consequence: missense variant. On other transcripts: intron variant (2).
Genome position (GRCh38, 1-based): chr6:5,368,721, G>C. VCF-style: chr6-5368721-G-C. GRCh37 (hg19) VCF-style: chr6-5368954-G-C.
Other names: c.151G>C, p.Val51Leu (NM_001318872.2, NM_001374875.1, NM_001374876.1 and 5 more transcripts); c.-340-27912G>C (NM_001375260.1); c.-84-35821G>C (NM_001375259.1); short protein forms V51L.
Identifiers: ClinVar variation 2059698 (VCV002059698.1), dbSNP rs2534748926, ClinGen allele CA362734662.

ClinVar aggregate classification (germline): Uncertain significance (1 of 4 stars; one submission).

Conditions:
Combined oxidative phosphorylation defect type 14. Also called: Combined oxidative phosphorylation deficiency 14. Identifiers: Orphanet 319519, MedGen C4755312, MONDO:0013986, OMIM 614946.

Submission:

Labcorp Genetics (formerly Invitae), Labcorp
Classification: Uncertain significance for Combined oxidative phosphorylation defect type 14. Last evaluated: 2022-06-25. Review status: criteria provided, single submitter. Criteria: Invitae Variant Classification Sherloc (09022015). Collection method: clinical testing. Allele origin: germline.
Comment: This sequence change replaces valine, which is neutral and non-polar, with leucine, which is neutral and non-polar, at codon 51 of the FARS2 protein (p.Val51Leu). This variant is not present in population databases (gnomAD no frequency). This variant has not been reported in the literature in individuals affected with FARS2-related conditions. Advanced modeling of protein sequence and biophysical properties (such as structural, functional, and spatial information, amino acid conservation, physicochemical variation, residue mobility, and thermodynamic stability) performed at Invitae indicates that this missense variant is not expected to disrupt FARS2 protein function. In summary, the available evidence is currently insufficient to determine the role of this variant in disease. Therefore, it has been classified as a Variant of Uncertain Significance.